The following is an entry in ClinVar:

ClinVar aggregate classification (germline): Uncertain significance (1 of 4 stars; one submission).

Conditions:
TCTN3-related disorder. Also called: TCTN3-related condition.

gnomAD v4.1: 1 of 1,551,706 alleles (0.000064%); no homozygotes.

Submission:

PreventionGenetics, part of Exact Sciences
Classification: Uncertain significance for TCTN3-related condition. Last evaluated: 2026-09-10. Review status: criteria provided, single submitter. Criteria: ACMG Guidelines, 2015. Collection method: clinical testing. Allele origin: germline.
Comment: The TCTN3 c.46T>G variant is predicted to result in the amino acid substitution p.Phe16Val. To our knowledge, this variant has not been reported in the literature or in a large population database (gnomAD), indicating this variant is rare. At this time, the clinical significance of this variant is uncertain due to the absence of conclusive functional and genetic evidence.

NM_015631.6(TCTN3):c.46T>G (p.Phe16Val)

Genes: TCTN3 (tectonic family member 3; minus strand), LOC130004408 (ATAC-STARR-seq lymphoblastoid active region 3801; plus strand). Cytogenetic location: 10q24.1.
Variant type: single nucleotide variant.
Coding change: c.46T>G on transcript NM_015631.6 (MANE Select); coding-DNA position 46, T replaced by G.
Protein change: p.Phe16Val; replaces phenylalanine 16 with valine.
Molecular consequence: missense variant.
Genome position (GRCh38, 1-based): chr10:95,693,854, A>C on the plus strand (T>G on the coding strand, the complement: TCTN3 is on the minus strand). VCF-style: chr10-95693854-A-C. GRCh37 (hg19) VCF-style: chr10-97453611-A-C.
Other names: c.46T>G, p.Phe16Val (NM_001143973.2, NM_001410982.1); short protein forms F16V.
Identifiers: ClinVar variation 4995792 (VCV004995792.1).